The following is an entry in ClinVar:

ClinVar aggregate classification (germline): Uncertain significance. Review status: criteria provided, multiple submitters, no conflicts (2 of 4 stars). 2 submissions from 2 submitters: Uncertain significance (2). Last evaluated 2024-03-30.

Conditions:
Hereditary cancer-predisposing syndrome. Also called: Neoplastic Syndromes, Hereditary; Tumor predisposition; Hereditary Cancer Syndrome; Hereditary neoplastic syndrome. Identifiers: Orphanet 140162, MedGen C0027672, MeSH D009386, MONDO:0015356.
Ataxia-telangiectasia-like disorder (ATLD). Identifiers: MedGen C1858391, MONDO:0011457.

Allele frequency attached by ClinVar (database versions not stated): gnomAD exomes below 0.00001; gnomAD 0.00001; TOPMed 0.00001.
gnomAD v4.1: 7 of 1,614,038 alleles (0.00043%); highest among the groups gnomAD compares: Admixed American, 0.01%; no homozygotes.

Submissions (2):

Ambry Genetics
Classification: Uncertain significance for Hereditary cancer-predisposing syndrome. Last evaluated: 2024-03-30. Review status: criteria provided, single submitter. Criteria: Ambry Variant Classification Scheme 2023. Collection method: clinical testing. Allele origin: germline.
Comment: The p.S541I variant (also known as c.1622G>T), located in coding exon 14 of the MRE11A gene, results from a G to T substitution at nucleotide position 1622. The serine at codon 541 is replaced by isoleucine, an amino acid with dissimilar properties. This amino acid position is well conserved in available vertebrate species. In addition, this alteration is predicted to be tolerated by in silico analysis. Since supporting evidence is limited at this time, the clinical significance of this alteration remains unclear.

Labcorp Genetics (formerly Invitae), Labcorp
Classification: Uncertain significance for Ataxia-telangiectasia-like disorder. Last evaluated: 2023-01-19. Review status: criteria provided, single submitter. Criteria: Invitae Variant Classification Sherloc (09022015). Collection method: clinical testing. Allele origin: germline.
Comment: In summary, the available evidence is currently insufficient to determine the role of this variant in disease. Therefore, it has been classified as a Variant of Uncertain Significance. Algorithms developed to predict the effect of missense changes on protein structure and function (SIFT, PolyPhen-2, Align-GVGD) all suggest that this variant is likely to be tolerated. ClinVar contains an entry for this variant (Variation ID: 233958). This variant has not been reported in the literature in individuals affected with MRE11-related conditions. The frequency data for this variant in the population databases is considered unreliable, as metrics indicate poor data quality at this position in the gnomAD database. This sequence change replaces serine, which is neutral and polar, with isoleucine, which is neutral and non-polar, at codon 541 of the MRE11 protein (p.Ser541Ile).

NM_005591.4(MRE11):c.1622G>T (p.Ser541Ile)

Gene: MRE11 (MRE11 double strand break repair nuclease; minus strand). Cytogenetic location: 11q21.
Variant type: single nucleotide variant.
Coding change: c.1622G>T on transcript NM_005591.4 (MANE Select); coding-DNA position 1622, G replaced by T.
Protein change: p.Ser541Ile; replaces serine 541 with isoleucine.
Molecular consequence: missense variant.
Genome position (GRCh38, 1-based): chr11:94,447,380, C>A on the plus strand (G>T on the coding strand, the complement: MRE11 is on the minus strand). VCF-style: chr11-94447380-C-A. GRCh37 (hg19) VCF-style: chr11-94180546-C-A.
Other names: c.1622G>T, p.Ser541Ile (NM_001330347.2, NM_005590.4); short protein forms S541I.
Identifiers: ClinVar variation 233958 (VCV000233958.12), dbSNP rs876660758, ClinGen allele CA10579370.